The following is an entry in ClinVar:

ClinVar aggregate classification (germline): Uncertain significance (1 of 4 stars; one submission).

Submission:

Ambry Genetics
Classification: Uncertain significance. Last evaluated: 2023-02-17. Review status: criteria provided, single submitter. Criteria: Ambry Variant Classification Scheme 2023. Collection method: clinical testing. Allele origin: germline.
Comment: The c.336dupT variant, located in coding exon 3 of the RECQL gene, results from a duplication of T at nucleotide position 336, causing a translational frameshift with a predicted alternate stop codon (p.M113Yfs*53). This alteration is expected to result in loss of function by premature protein truncation or nonsense-mediated mRNA decay. The evidence for this gene-disease relationship is limited; therefore, the clinical significance of this alteration is unclear.

NM_002907.4(RECQL):c.336dup (p.Met113fs)

Gene: RECQL (RecQ like helicase; minus strand). Cytogenetic location: 12p12.1.
Variant type: Duplication.
Coding change: c.336dup on transcript NM_002907.4 (MANE Select); coding-DNA position 336, one base duplicated (T; older notation c.336dupT).
Protein change: p.Met113fs; shifts the reading frame from methionine 113.
Molecular consequence: frameshift variant.
Genome position (GRCh38, 1-based): chr12:21,490,257, A duplicated on the plus strand (T on the coding strand, the reverse complement: RECQL is on the minus strand); the first of 2 consecutive A bases (chr12:21,490,257-21,490,258); duplicating either gives the same sequence. VCF-style (leftmost placement, unchanged base first): chr12-21490256-T-TA. GRCh37 (hg19) VCF-style: chr12-21643190-T-TA.
Other names: c.336dup, p.Met113fs (NM_032941.3); short protein forms M113fs.
Identifiers: ClinVar variation 2446914 (VCV002446914.2), dbSNP rs2540399539, ClinGen allele CA2580085261.